The following is an entry in ClinVar:

NM_005566.4(LDHA):c.387G>A (p.Pro129=)

Gene: LDHA (lactate dehydrogenase A; plus strand). Cytogenetic location: 11p15.1.
Variant type: single nucleotide variant.
Coding change: c.387G>A on transcript NM_005566.4 (MANE Select); coding-DNA position 387, G replaced by A.
Protein change: p.Pro129=; no amino-acid change (proline 129 retained).
Molecular consequence: synonymous variant. On other transcripts: non-coding transcript variant (1), intron variant (1).
Genome position (GRCh38, 1-based): chr11:18,400,979, G>A. VCF-style: chr11-18400979-G-A. GRCh37 (hg19) VCF-style: chr11-18422526-G-A.
Other names: p.Pro129=; c.474G>A, p.Pro158= (NM_001165414.2); c.387G>A, p.Pro129= (NM_001165415.2, NM_001165416.2); c.244+1431G>A (NM_001135239.2).
Identifiers: ClinVar variation 303913 (VCV000303913.19), dbSNP rs61752915, ClinGen allele CA5911277.
Genomic context (GRCh38, chr11:18,400,979, plus strand): 5'-GGTCCAGCGTAACGTGAACATCTTTAAATTCATCATTCCTAATGTTGTAAAATACAGCCC[G>A]AACTGCAAGTTGCTTATTGTTTCAAATCCAGGTGAGGCTTTTGACTGCATAAAAATTGAC-3'
Protein context (NP_005557.1, residues 119-139): FIIPNVVKYS[Pro129=]NCKLLIVSNP

ClinVar aggregate classification (germline): Benign. Review status: criteria provided, multiple submitters, no conflicts (2 of 4 stars). 6 submissions from 6 submitters: Benign (6). Last evaluated 2026-02-01.

Conditions:
Glycogen storage disease due to lactate dehydrogenase M-subunit deficiency (GSD11). Also called: GSD XI; LACTATE DEHYDROGENASE A DEFICIENCY; Glycogen storage disease XI. Identifiers: Orphanet 284426, MedGen C2931743, MONDO:0013047, OMIM 612933.

Allele frequency attached by ClinVar (database versions not stated): 1000 Genomes Project 0.00339; gnomAD exomes 0.01397 and 0.00993; ExAC 0.01017; gnomAD 0.01092 and 0.01009; 1000 Genomes Project 30x 0.00359; TOPMed 0.00884; ESP Exome Variant Server 0.00986.
gnomAD v4.1: 21,932 of 1,612,860 alleles (1.4%); highest among the groups gnomAD compares: Non-Finnish European, 1.6%; 202 homozygotes.

Submissions (6):

Labcorp Genetics (formerly Invitae), Labcorp
Classification: Benign for Glycogen storage disease due to lactate dehydrogenase M-subunit deficiency. Last evaluated: 2026-02-01. Review status: criteria provided, single submitter. Criteria: Invitae Variant Classification Sherloc (09022015). Collection method: clinical testing. Allele origin: germline.

ARUP Laboratories, Molecular Genetics and Genomics, ARUP Laboratories
Classification: Benign for Glycogen storage disease due to lactate dehydrogenase M-subunit deficiency. Last evaluated: 2025-01-21. Review status: criteria provided, single submitter. Criteria: ARUP Molecular Germline Variant Investigation Process 2024. Collection method: clinical testing. Allele origin: germline.

Mayo Clinic Laboratories, Mayo Clinic
Classification: Benign. Last evaluated: 2023-06-16. Review status: criteria provided, single submitter. Criteria: ACMG Guidelines, 2015. Collection method: clinical testing. Allele origin: germline. Observed: 18 variant alleles.

Illumina Laboratory Services, Illumina
Classification: Benign for Glycogen storage disease due to lactate dehydrogenase M-subunit deficiency. Last evaluated: 2018-01-13. Review status: criteria provided, single submitter. Criteria: ICSL Variant Classification Criteria 13 December 2019. Collection method: clinical testing. Allele origin: germline.
Comment: This variant was observed in the ICSL laboratory as part of a predisposition screen in an ostensibly healthy population. It had not been previously curated by ICSL or reported in the Human Gene Mutation Database (HGMD: prior to June 1st, 2018), and was therefore a candidate for classification through an automated scoring system. Utilizing variant allele frequency, disease prevalence and penetrance estimates, and inheritance mode, an automated score was calculated to assess if this variant is too frequent to cause the disease. Based on the score and internal cut-off values, a variant classified as benign is not then subjected to further curation. The score for this variant resulted in a classification of benign for this disease.

GeneDx
Classification: Benign. Last evaluated: 2016-10-17. Review status: criteria provided, single submitter. Criteria: GeneDx Variant Classification (06012015). Collection method: clinical testing. Allele origin: germline. Affected: yes.
Comment: This variant is considered likely benign or benign based on one or more of the following criteria: it is a conservative change, it occurs at a poorly conserved position in the protein, it is predicted to be benign by multiple in silico algorithms, and/or has population frequency not consistent with disease.

Breakthrough Genomics
Classification: Benign. Review status: criteria provided, single submitter. Criteria: ACMG Guidelines, 2015. Collection method: not provided. Allele origin: germline. Inheritance: Autosomal recessive inheritance. Affected: yes.